The following is an entry in ClinVar:

NM_000051.4(ATM):c.7896C>G (p.Asn2632Lys)

Genes: ATM (ATM serine/threonine kinase; plus strand), C11orf65 (chromosome 11 open reading frame 65; minus strand). Cytogenetic location: 11q22.3.
Variant type: single nucleotide variant.
Coding change: c.7896C>G on transcript NM_000051.4 (MANE Select); coding-DNA position 7896, C replaced by G.
Protein change: p.Asn2632Lys; replaces asparagine 2632 with lysine.
Molecular consequence: missense variant. On other transcripts: intron variant (2).
Genome position (GRCh38, 1-based): chr11:108,332,869, C>G. VCF-style: chr11-108332869-C-G. GRCh37 (hg19) VCF-style: chr11-108203596-C-G.
Other names: c.7896C>G, p.Asn2632Lys (NM_001351834.2); c.641-23798G>C (NM_001330368.2); c.*38+2351G>C (NM_001351110.2); short protein forms N2632K.
Identifiers: ClinVar variation 941254 (VCV000941254.13), dbSNP rs1591179036, ClinGen allele CA382561467.

ClinVar aggregate classification (germline): Uncertain significance. Review status: criteria provided, multiple submitters, no conflicts (2 of 4 stars). 2 submissions from 2 submitters: Uncertain significance (2). Last evaluated 2024-09-02.

Conditions:
Hereditary cancer-predisposing syndrome. Also called: Tumor predisposition; Neoplastic Syndromes, Hereditary; Hereditary neoplastic syndrome; Hereditary Cancer Syndrome. Identifiers: Orphanet 140162, MedGen C0027672, MeSH D009386, MONDO:0015356.
Ataxia-telangiectasia syndrome (AT). Also called: Ataxia-telangiectasia, complementation group D; AT, COMPLEMENTATION GROUP C; ATAXIA-TELANGIECTASIA, COMPLEMENTATION GROUP A; ATAXIA-TELANGIECTASIA, FRESNO VARIANT; Ataxia-telangiectasia; Ataxia telangiectasia (A-T). Identifiers: Orphanet 100, MedGen C0004135, MONDO:0008840, OMIM 208900.

gnomAD v4.1: 1 of 1,613,016 alleles (0.000062%); no homozygotes.

Submissions (2):

Ambry Genetics
Classification: Uncertain significance for Hereditary cancer-predisposing syndrome. Last evaluated: 2024-09-02. Review status: criteria provided, single submitter. Criteria: Ambry Variant Classification Scheme 2023. Collection method: clinical testing. Allele origin: germline.
Comment: The p.N2632K variant (also known as c.7896C>G), located in coding exon 52 of the ATM gene, results from a C to G substitution at nucleotide position 7896. The asparagine at codon 2632 is replaced by lysine, an amino acid with similar properties. This amino acid position is well conserved in available vertebrate species. In addition, this alteration is predicted to be tolerated by in silico analysis. Since supporting evidence is limited at this time, the clinical significance of this alteration remains unclear.

Labcorp Genetics (formerly Invitae), Labcorp
Classification: Uncertain significance for Ataxia-telangiectasia syndrome. Last evaluated: 2024-08-09. Review status: criteria provided, single submitter. Criteria: Invitae Variant Classification Sherloc (09022015). Collection method: clinical testing. Allele origin: germline.
Comment: This sequence change replaces asparagine, which is neutral and polar, with lysine, which is basic and polar, at codon 2632 of the ATM protein (p.Asn2632Lys). This variant is not present in population databases (gnomAD no frequency). This variant has not been reported in the literature in individuals affected with ATM-related conditions. ClinVar contains an entry for this variant (Variation ID: 941254). An algorithm developed to predict the effect of missense changes on protein structure and function (PolyPhen-2) suggests that this variant is likely to be disruptive. In summary, the available evidence is currently insufficient to determine the role of this variant in disease. Therefore, it has been classified as a Variant of Uncertain Significance.